The following is an entry in ClinVar:

ClinVar aggregate classification (germline): Uncertain significance (1 of 4 stars; one submission).

Conditions:
Inborn genetic diseases. Identifiers: MedGen C0950123, MeSH D030342.

Submission:

Ambry Genetics
Classification: Uncertain significance for Inborn genetic diseases. Last evaluated: 2025-03-26. Review status: criteria provided, single submitter. Criteria: Ambry Variant Classification Scheme 2023. Collection method: clinical testing. Allele origin: germline.
Comment: The c.738+6delG alteration is located in Intron 6 (E) of the L2HGDH gene. This alteration consists of a deletion of 1 nucleotides at nucleotide position c.7386 Intron 6 (E). Based on insufficient or conflicting evidence, the clinical significance of this alteration remains unclear.

NM_024884.3(L2HGDH):c.738+6del

Gene: L2HGDH (L-2-hydroxyglutarate dehydrogenase; minus strand). Cytogenetic location: 14q21.3.
Variant type: Deletion.
Coding change: c.738+6del on transcript NM_024884.3 (MANE Select); 6 bases into the intron after coding-DNA position 738, one base deleted (G; older notation c.738+6delG).
Molecular consequence: intron variant.
Genome position (GRCh38, 1-based): chr14:50,278,514, C deleted on the plus strand (G on the coding strand, the reverse complement: L2HGDH is on the minus strand). VCF-style (leftmost placement, unchanged base first): chr14-50278513-TC-T. GRCh37 (hg19) VCF-style: chr14-50745231-TC-T.
Other names: c.738+6del (NM_001425212.1); c.192+6del (NM_001425217.1, NM_001425218.1, NM_001425216.1 and 1 more transcripts); c.627+6del (NM_001425213.1, NM_001425214.1).
Identifiers: ClinVar variation 4045699 (VCV004045699.1).